The following is an entry in ClinVar:

NM_001037131.3(AGAP1):c.332T>C (p.Ile111Thr)

Gene: AGAP1 (ArfGAP with GTPase domain, ankyrin repeat and PH domain 1; plus strand). Cytogenetic location: 2q37.2.
Variant type: single nucleotide variant.
Coding change: c.332T>C on transcript NM_001037131.3 (MANE Select); coding-DNA position 332, T replaced by C.
Protein change: p.Ile111Thr; replaces isoleucine 111 with threonine.
Molecular consequence: missense variant.
Genome position (GRCh38, 1-based): chr2:235,740,984, T>C. VCF-style: chr2-235740984-T-C. GRCh37 (hg19) VCF-style: chr2-236649628-T-C.
Other names: c.332T>C, p.Ile111Thr (NM_001244888.2, NM_001412122.1, NM_014914.5); c.332T>C (NM_001037131.2); short protein forms I111T.
Identifiers: ClinVar variation 2880898 (VCV002880898.4), dbSNP rs754799559, ClinGen allele CA2184331.

ClinVar aggregate classification (germline): Uncertain significance. Review status: criteria provided, multiple submitters, no conflicts (2 of 4 stars). 2 submissions from 2 submitters: Uncertain significance (2). Last evaluated 2025-04-05.

Allele frequency attached by ClinVar (database versions not stated): gnomAD exomes 0.00001; ExAC 0.00002; gnomAD 0.00006; TOPMed 0.00009.
gnomAD v4.1: 19 of 1,614,038 alleles (0.0012%); highest among the groups gnomAD compares: African/African-American, 0.019%; no homozygotes.

Submissions (2):

Ambry Genetics
Classification: Uncertain significance. Last evaluated: 2025-04-05. Review status: criteria provided, single submitter. Criteria: Ambry Variant Classification Scheme 2023. Collection method: clinical testing. Allele origin: germline.

Labcorp Genetics (formerly Invitae), Labcorp
Classification: Uncertain significance. Last evaluated: 2022-11-08. Review status: criteria provided, single submitter. Criteria: Invitae Variant Classification Sherloc (09022015). Collection method: clinical testing. Allele origin: germline.
Comment: Algorithms developed to predict the effect of missense changes on protein structure and function are either unavailable or do not agree on the potential impact of this missense change (SIFT: "Deleterious"; PolyPhen-2: "Probably Damaging"; Align-GVGD: "Class C0"). In summary, the available evidence is currently insufficient to determine the role of this variant in disease. Therefore, it has been classified as a Variant of Uncertain Significance. This variant has not been reported in the literature in individuals affected with AGAP1-related conditions. This variant is present in population databases (rs754799559, gnomAD 0.03%). This sequence change replaces isoleucine, which is neutral and non-polar, with threonine, which is neutral and polar, at codon 111 of the AGAP1 protein (p.Ile111Thr).